The following is an entry in ClinVar:

ClinVar aggregate classification (germline): Uncertain significance (1 of 4 stars; one submission).

Conditions:
Inborn genetic diseases. Identifiers: MedGen C0950123, MeSH D030342.

Submission:

Ambry Genetics
Classification: Uncertain significance for Inborn genetic diseases. Last evaluated: 2025-01-27. Review status: criteria provided, single submitter. Criteria: Ambry Variant Classification Scheme 2023. Collection method: clinical testing. Allele origin: germline.
Comment: The p.S563N variant (also known as c.1688G>A), located in coding exon 7 of the SH2B3 gene, results from a G to A substitution at nucleotide position 1688. The serine at codon 563 is replaced by asparagine, an amino acid with highly similar properties. This amino acid position is conserved. In addition, this alteration is predicted to be tolerated by in silico analysis. Based on the available evidence, the clinical significance of this variant remains unclear.

NM_005475.3(SH2B3):c.1688G>A (p.Ser563Asn)

Gene: SH2B3 (SH2B adaptor protein 3; plus strand). Cytogenetic location: 12q24.12.
Variant type: single nucleotide variant.
Coding change: c.1688G>A on transcript NM_005475.3 (MANE Select); coding-DNA position 1688, G replaced by A.
Protein change: p.Ser563Asn; replaces serine 563 with asparagine.
Molecular consequence: missense variant.
Genome position (GRCh38, 1-based): chr12:111,448,262, G>A. VCF-style: chr12-111448262-G-A. GRCh37 (hg19) VCF-style: chr12-111886066-G-A.
Other names: c.1082G>A, p.Ser361Asn (NM_001291424.1); short protein forms S361N, S563N.
Identifiers: ClinVar variation 3795145 (VCV003795145.1).
Genomic context (GRCh38, chr12:111,448,262, plus strand): 5'-AGCATGAGCCTGTGAATCGAGCCCGGGACTCGGACTACGAAATGGACTCATCCTCCCGGA[G>A]CCACCTGCGGGCCATAGACAATCAGTACACACCTCTCTGACCAGTGAGGAATTCCAGGCC-3'
Protein context (NP_005466.1, residues 553-573): SDYEMDSSSR[Ser563Asn]HLRAIDNQYT